The following is an entry in ClinVar:

NM_032638.5(GATA2):c.93C>G (p.His31Gln)

Gene: GATA2 (GATA binding protein 2; minus strand). Cytogenetic location: 3q21.3.
Variant type: single nucleotide variant.
Coding change: c.93C>G on transcript NM_032638.5 (MANE Select); coding-DNA position 93, C replaced by G.
Protein change: p.His31Gln; replaces histidine 31 with glutamine.
Molecular consequence: missense variant.
Genome position (GRCh38, 1-based): chr3:128,486,939, G>C on the plus strand (C>G on the coding strand, the complement: GATA2 is on the minus strand). VCF-style: chr3-128486939-G-C. GRCh37 (hg19) VCF-style: chr3-128205782-G-C.
Other names: c.93C>G (NM_032638.4); c.93C>G, p.His31Gln (NM_001145661.2, NM_001145662.1); short protein forms H31Q.
Identifiers: ClinVar variation 1056438 (VCV001056438.10), dbSNP rs1010470274, ClinGen allele CA83372437.

ClinVar aggregate classification (germline): Uncertain significance. Review status: criteria provided, multiple submitters, no conflicts (2 of 4 stars). 2 submissions from 2 submitters: Uncertain significance (2). Last evaluated 2026-09-09.

Conditions:
Inborn genetic diseases. Identifiers: MedGen C0950123, MeSH D030342.
Deafness-lymphedema-leukemia syndrome. Also called: Emberger syndrome; Lymphedema, primary, with myelodysplasia. Identifiers: Orphanet 3226, MedGen C3279664, MONDO:0013540, OMIM 614038.
Monocytopenia with susceptibility to infections. Also called: MONOCYTOPENIA AND MYCOBACTERIAL INFECTION SYNDROME; MONOCYTOPENIA WITH SUSCEPTIBILITY TO MYCOBACTERIAL, FUNGAL, AND PAPILLOMAVIRUS INFECTIONS AND MYELODYSPLASIA; COMBINED IMMUNODEFICIENCY WITH SUSCEPTIBILITY TO MYCOBACTERIAL, VIRAL, AND FUNGAL INFECTIONS; Dendritic cell, monocyte, B lymphocyte, and natural killer lymphocyte deficiency; IMMUNODEFICIENCY 21; GATA2 DEFICIENCY. Identifiers: Orphanet 228423, MedGen C3280030, MONDO:0013607, OMIM 614172.

gnomAD v4.1: 1 of 1,613,036 alleles (0.000062%); highest among the groups gnomAD compares: Non-Finnish European, 0.000085%; no homozygotes.

Submissions (2):

Ambry Genetics
Classification: Uncertain significance for Inborn genetic diseases. Last evaluated: 2026-09-09. Review status: criteria provided, single submitter. Criteria: Ambry Variant Classification Scheme 2023. Collection method: clinical testing. Allele origin: germline.
Comment: The p.H31Q variant (also known as c.93C>G), located in coding exon 1 of the GATA2 gene, results from a C to G substitution at nucleotide position 93. The histidine at codon 31 is replaced by glutamine, an amino acid with highly similar properties. This amino acid position is conserved. In addition, this alteration is predicted to be deleterious by in silico analysis. Based on the available evidence, the clinical significance of this variant remains unclear.

Labcorp Genetics (formerly Invitae), Labcorp
Classification: Uncertain significance for Monocytopenia with susceptibility to infections; Deafness-lymphedema-leukemia syndrome. Last evaluated: 2022-10-24. Review status: criteria provided, single submitter. Criteria: Invitae Variant Classification Sherloc (09022015). Collection method: clinical testing. Allele origin: germline.
Comment: This sequence change replaces histidine, which is basic and polar, with glutamine, which is neutral and polar, at codon 31 of the GATA2 protein (p.His31Gln). This variant is not present in population databases (gnomAD no frequency). In summary, the available evidence is currently insufficient to determine the role of this variant in disease. Therefore, it has been classified as a Variant of Uncertain Significance. Advanced modeling of protein sequence and biophysical properties (such as structural, functional, and spatial information, amino acid conservation, physicochemical variation, residue mobility, and thermodynamic stability) performed at Invitae indicates that this missense variant is not expected to disrupt GATA2 protein function. ClinVar contains an entry for this variant (Variation ID: 1056438). This variant has not been reported in the literature in individuals affected with GATA2-related conditions.